The following is an entry in ClinVar:

NM_182961.4(SYNE1):c.22664G>A (p.Arg7555Gln)

Gene: SYNE1 (spectrin repeat containing nuclear envelope protein 1; minus strand). Cytogenetic location: 6q25.2.
Variant type: single nucleotide variant.
Coding change: c.22664G>A on transcript NM_182961.4 (MANE Select); coding-DNA position 22664, G replaced by A.
Protein change: p.Arg7555Gln; replaces arginine 7555 with glutamine.
Molecular consequence: missense variant.
Genome position (GRCh38, 1-based): chr6:152,208,132, C>T on the plus strand (G>A on the coding strand, the complement: SYNE1 is on the minus strand). VCF-style: chr6-152208132-C-T. GRCh37 (hg19) VCF-style: chr6-152529267-C-T.
Other names: c.22451G>A, p.Arg7484Gln (NM_033071.5); short protein forms R7484Q, R7555Q.
Identifiers: ClinVar variation 2170683 (VCV002170683.4), dbSNP rs149366576, ClinGen allele CA150173049.

ClinVar aggregate classification (germline): Uncertain significance (1 of 4 stars; one submission).

Conditions:
Emery-Dreifuss muscular dystrophy 4, autosomal dominant (EDMD4). Also called: EMERY-DREIFUSS MUSCULAR DYSTROPHY 4 WITH VARIABLE FEATURES. Identifiers: Orphanet 261, MedGen C2751807, MONDO:0013071, OMIM 612998.
Autosomal recessive ataxia, Beauce type. Also called: Spinocerebellar ataxia, autosomal recessive 8; ATAXIA, RECESSIVE, OF BEAUCE; SYNE1-Related Autosomal Recessive Cerebellar Ataxia; SYNE1 Deficiency. Identifiers: Orphanet 88644, MedGen C1853116, MONDO:0012549, OMIM 610743.

Allele frequency attached by ClinVar (database versions not stated): gnomAD 0.00002; TOPMed 0.00004; ESP Exome Variant Server 0.00008.
gnomAD v4.1: 14 of 1,613,982 alleles (0.00087%); highest among the groups gnomAD compares: African/African-American, 0.0053%; no homozygotes.

Submission:

Labcorp Genetics (formerly Invitae), Labcorp
Classification: Uncertain significance for Emery-Dreifuss muscular dystrophy 4, autosomal dominant; Autosomal recessive ataxia, Beauce type. Last evaluated: 2022-11-01. Review status: criteria provided, single submitter. Criteria: Invitae Variant Classification Sherloc (09022015). Collection method: clinical testing. Allele origin: germline.
Comment: This sequence change replaces arginine, which is basic and polar, with glutamine, which is neutral and polar, at codon 7484 of the SYNE1 protein (p.Arg7484Gln). This variant is present in population databases (rs149366576, gnomAD 0.007%). This variant has not been reported in the literature in individuals affected with SYNE1-related conditions. Algorithms developed to predict the effect of missense changes on protein structure and function (SIFT, PolyPhen-2, Align-GVGD) all suggest that this variant is likely to be disruptive. In summary, the available evidence is currently insufficient to determine the role of this variant in disease. Therefore, it has been classified as a Variant of Uncertain Significance.